The following is an entry in ClinVar:

ClinVar aggregate classification (germline): Uncertain significance (1 of 4 stars; one submission).

Conditions:
Inborn genetic diseases. Identifiers: MedGen C0950123, MeSH D030342.

Submission:

Ambry Genetics
Classification: Uncertain significance for Inborn genetic diseases. Last evaluated: 2026-06-21. Review status: criteria provided, single submitter. Criteria: Ambry Variant Classification Scheme 2023. Collection method: clinical testing. Allele origin: germline.
Comment: The p.F141I variant (also known as c.421T>A), located in coding exon 3 of the MBD4 gene, results from a T to A substitution at nucleotide position 421. The phenylalanine at codon 141 is replaced by isoleucine, an amino acid with highly similar properties. This amino acid position is conserved. In addition, this alteration is predicted to be deleterious by in silico analysis. Based on the available evidence, the clinical significance of this variant remains unclear.

NM_001276270.2(MBD4):c.421T>A (p.Phe141Ile)

Gene: MBD4 (methyl-CpG binding domain 4, DNA glycosylase; minus strand). Cytogenetic location: 3q21.3.
Variant type: single nucleotide variant.
Coding change: c.421T>A on transcript NM_001276270.2 (MANE Select); coding-DNA position 421, T replaced by A.
Protein change: p.Phe141Ile; replaces phenylalanine 141 with isoleucine.
Molecular consequence: missense variant. On other transcripts: intron variant (1).
Genome position (GRCh38, 1-based): chr3:129,437,223, A>T on the plus strand (T>A on the coding strand, the complement: MBD4 is on the minus strand). VCF-style: chr3-129437223-A-T. GRCh37 (hg19) VCF-style: chr3-129156066-A-T.
Other names: c.421T>A, p.Phe141Ile (NM_001276272.2, NM_003925.3, NM_001276271.2); c.247+585T>A (NM_001276273.2); short protein forms F141I.
Identifiers: ClinVar variation 5024004 (VCV005024004.1).